The following is an entry in ClinVar:

ClinVar aggregate classification (germline): Uncertain significance (1 of 4 stars; one submission).

Conditions:
Hereditary spastic paraplegia 11. Also called: Nakamura Osame syndrome; Autosomal recessive hereditary spastic paraplegia, mental impairment, and thin corpus callosum; Spastic paraplegia, mental retardation and thin corpus callosum; SPASTIC PARAPLEGIA, AUTOSOMAL RECESSIVE, COMPLICATED, WITH THIN CORPUS CALLOSUM; SPASTIC PARAPLEGIA, AUTOSOMAL RECESSIVE, WITH MENTAL IMPAIRMENT AND THIN CORPUS CALLOSUM; Spastic Paraplegia 11. Identifiers: Orphanet 2822, MedGen C1858479, MONDO:0011445, OMIM 604360.

gnomAD v4.1: 2 of 1,614,230 alleles (0.00012%); no homozygotes.

Submission:

Labcorp Genetics (formerly Invitae), Labcorp
Classification: Uncertain significance for Hereditary spastic paraplegia 11. Last evaluated: 2021-08-27. Review status: criteria provided, single submitter. Criteria: Invitae Variant Classification Sherloc (09022015). Collection method: clinical testing. Allele origin: germline.
Comment: This sequence change replaces serine with asparagine at codon 419 of the SPG11 protein (p.Ser419Asn). The serine residue is weakly conserved and there is a small physicochemical difference between serine and asparagine. This variant is not present in population databases (ExAC no frequency). This variant has not been reported in the literature in individuals affected with SPG11-related conditions. Algorithms developed to predict the effect of missense changes on protein structure and function output the following: SIFT: "Tolerated"; PolyPhen-2: "Benign"; Align-GVGD: "Class C0". The asparagine amino acid residue is found in multiple mammalian species, which suggests that this missense change does not adversely affect protein function. In summary, the available evidence is currently insufficient to determine the role of this variant in disease. Therefore, it has been classified as a Variant of Uncertain Significance.

NM_025137.4(SPG11):c.1256G>A (p.Ser419Asn)

Gene: SPG11 (SPG11 vesicle trafficking associated, spatacsin; minus strand). Cytogenetic location: 15q21.1.
Variant type: single nucleotide variant.
Coding change: c.1256G>A on transcript NM_025137.4 (MANE Select); coding-DNA position 1256, G replaced by A.
Protein change: p.Ser419Asn; replaces serine 419 with asparagine.
Molecular consequence: missense variant.
Genome position (GRCh38, 1-based): chr15:44,651,691, C>T on the plus strand (G>A on the coding strand, the complement: SPG11 is on the minus strand). VCF-style: chr15-44651691-C-T. GRCh37 (hg19) VCF-style: chr15-44943889-C-T.
Other names: c.1256G>A, p.Ser419Asn (NM_001160227.2); short protein forms S419N.
Identifiers: ClinVar variation 961465 (VCV000961465.7), dbSNP rs2084781481, ClinGen allele CA392236242.